The following is an entry in ClinVar:

ClinVar aggregate classification (germline): Conflicting classifications of pathogenicity. Review status: criteria provided, conflicting classifications (1 of 4 stars). 2 submissions from 2 submitters: Likely pathogenic (1); Uncertain significance (1). Last evaluated 2025-04-23.

Conditions:
Rhabdoid tumor predisposition syndrome 2 (RTPS2). Identifiers: Orphanet 231108, Orphanet 69077, MedGen C2750074, MONDO:0013224, OMIM 613325.

Submissions (2):

Labcorp Genetics (formerly Invitae), Labcorp
Classification: Uncertain significance for Rhabdoid tumor predisposition syndrome 2. Last evaluated: 2025-04-23. Review status: criteria provided, single submitter. Criteria: Invitae Variant Classification Sherloc (09022015). Collection method: clinical testing. Allele origin: germline.
Comment: This sequence change replaces aspartic acid, which is acidic and polar, with asparagine, which is neutral and polar, at codon 715 of the SMARCA4 protein (p.Asp715Asn). This variant is not present in population databases (gnomAD no frequency). This missense change has been observed in individual(s) with clinical features of SMARCA4-related conditions (PMID: 33057194, 35982159, 37500730). ClinVar contains an entry for this variant (Variation ID: 429422). Invitae Evidence Modeling of protein sequence and biophysical properties (such as structural, functional, and spatial information, amino acid conservation, physicochemical variation, residue mobility, and thermodynamic stability) indicates that this missense variant is expected to disrupt SMARCA4 protein function with a positive predictive value of 95%. In summary, the available evidence is currently insufficient to determine the role of this variant in disease. Therefore, it has been classified as a Variant of Uncertain Significance.

GeneDx
Classification: Likely pathogenic. Last evaluated: 2015-08-06. Review status: criteria provided, single submitter. Criteria: GeneDx Variant Classification (06012015). Collection method: clinical testing. Allele origin: germline. Affected: yes.
Comment: The D715N variant in the SMARCA4 gene has not been published as a pathogenic variant, nor has it been reported as a benign polymorphism to our knowledge. The D715N variant was not observed in approximately 6,500 individuals of European and African American ancestry in the NHLBI Exome Sequencing Project, indicating it is not a common benign variant in these populations. The D715N variant is a semi-conservative amino acid substitution, which may impact secondary protein structure as these residues differ in some properties. This substitution occurs at a position that is conserved across species and in silico analysis predicts this variant is probably damaging to the protein structure/function. The D715N variant is a strong candidate for a disease-causing variant however, the possibility it may be a rare benign variant cannot be excluded.

Literature cited by the submitters: PubMed 33057194 (cited by Labcorp Genetics (formerly Invitae), Labcorp); PubMed 35982159 (cited by Labcorp Genetics (formerly Invitae), Labcorp); PubMed 37500730 (cited by Labcorp Genetics (formerly Invitae), Labcorp).

NM_003072.5(SMARCA4):c.2143G>A (p.Asp715Asn)

Gene: SMARCA4 (SWI/SNF related BAF chromatin remodeling complex subunit ATPase 4; plus strand). Cytogenetic location: 19p13.2.
Variant type: single nucleotide variant.
Coding change: c.2143G>A on transcript NM_003072.5 (MANE Select); coding-DNA position 2143, G replaced by A.
Protein change: p.Asp715Asn; replaces aspartic acid 715 with asparagine.
Molecular consequence: missense variant. On other transcripts: non-coding transcript variant (1).
Genome position (GRCh38, 1-based): chr19:11,010,400, G>A. VCF-style: chr19-11010400-G-A. GRCh37 (hg19) VCF-style: chr19-11121076-G-A.
Other names: c.2143G>A, p.Asp715Asn (NM_001128844.3, NM_001128845.2, NM_001128846.2 and 5 more transcripts); short protein forms D715N.
Identifiers: ClinVar variation 429422 (VCV000429422.3), dbSNP rs1131691371, ClinGen allele CA404052690.